The following is an entry in ClinVar:

ClinVar aggregate classification (germline): Uncertain significance. Review status: criteria provided, multiple submitters, no conflicts (2 of 4 stars). 2 submissions from 2 submitters: Uncertain significance (2). Last evaluated 2025-06-11.

Conditions:
Vanishing white matter disease. Also called: CACH syndrome; Childhood ataxia with diffuse central nervous system hypomyelination; Leukoencephalopathy with vanishing white matter; CACH/VWM syndrome; Cree leukoencehalopathy. Identifiers: Orphanet 135, Orphanet 99853, MedGen C1858991, MONDO:0800448.

Allele frequency attached by ClinVar (database versions not stated): gnomAD exomes below 0.00001.

Submissions (2):

Labcorp Genetics (formerly Invitae), Labcorp
Classification: Uncertain significance. Last evaluated: 2025-06-11. Review status: criteria provided, single submitter. Criteria: Invitae Variant Classification Sherloc (09022015). Collection method: clinical testing. Allele origin: germline.
Comment: This sequence change replaces methionine, which is neutral and non-polar, with valine, which is neutral and non-polar, at codon 130 of the EIF2B3 protein (p.Met130Val). This variant is not present in population databases (gnomAD no frequency). This variant has not been reported in the literature in individuals affected with EIF2B3-related conditions. ClinVar contains an entry for this variant (Variation ID: 297447). Invitae Evidence Modeling of protein sequence and biophysical properties (such as structural, functional, and spatial information, amino acid conservation, physicochemical variation, residue mobility, and thermodynamic stability) indicates that this missense variant is not expected to disrupt EIF2B3 protein function with a negative predictive value of 80%. In summary, the available evidence is currently insufficient to determine the role of this variant in disease. Therefore, it has been classified as a Variant of Uncertain Significance.

Illumina Laboratory Services, Illumina
Classification: Uncertain significance for Leukoencephalopathy with vanishing white matter 1. Last evaluated: 2018-01-13. Review status: criteria provided, single submitter. Criteria: ICSL Variant Classification Criteria 13 December 2019. Collection method: clinical testing. Allele origin: germline.

NM_020365.5(EIF2B3):c.388A>G (p.Met130Val)

Gene: EIF2B3 (eukaryotic translation initiation factor 2B subunit gamma; minus strand). Cytogenetic location: 1p34.1.
Variant type: single nucleotide variant.
Coding change: c.388A>G on transcript NM_020365.5 (MANE Select); coding-DNA position 388, A replaced by G.
Protein change: p.Met130Val; replaces methionine 130 with valine.
Molecular consequence: missense variant.
Genome position (GRCh38, 1-based): chr1:44,941,572, T>C on the plus strand (A>G on the coding strand, the complement: EIF2B3 is on the minus strand). VCF-style: chr1-44941572-T-C. GRCh37 (hg19) VCF-style: chr1-45407244-T-C.
Other names: c.388A>G, p.Met130Val (NM_001166588.3, NM_001261418.2); short protein forms M130V.
Identifiers: ClinVar variation 297447 (VCV000297447.6), dbSNP rs886046361, ClinGen allele CA10610008.